The following is an entry in ClinVar:

NM_004839.4(HOMER2):c.539G>A (p.Arg180Gln)

Gene: HOMER2 (homer scaffold protein 2; minus strand). Cytogenetic location: 15q25.2.
Variant type: single nucleotide variant.
Coding change: c.539G>A on transcript NM_004839.4 (MANE Select); coding-DNA position 539, G replaced by A.
Protein change: p.Arg180Gln; replaces arginine 180 with glutamine.
Molecular consequence: missense variant.
Genome position (GRCh38, 1-based): chr15:82,854,756, C>T on the plus strand (G>A on the coding strand, the complement: HOMER2 is on the minus strand). VCF-style: chr15-82854756-C-T. GRCh37 (hg19) VCF-style: chr15-83523508-C-T.
Other names: c.572G>A, p.Arg191Gln (NM_199330.3); c.539G>A (NM_004839.3); short protein forms R180Q, R191Q.
Identifiers: ClinVar variation 1278549 (VCV001278549.13), dbSNP rs369968997, ClinGen allele CA7702094.

ClinVar aggregate classification (germline): Conflicting classifications of pathogenicity. Review status: criteria provided, conflicting classifications (1 of 4 stars). 6 submissions from 6 submitters: Uncertain significance (2); Benign (1); Likely benign (3). Last evaluated 2025-10-28.

Conditions:
HOMER2-related disorder. Also called: HOMER2-related condition.
Inborn genetic diseases. Identifiers: MedGen C0950123, MeSH D030342.

Allele frequency attached by ClinVar (database versions not stated): gnomAD exomes 0.00004 and 0.00009; ExAC 0.00010; ESP Exome Variant Server 0.00016; TOPMed 0.00020; gnomAD 0.00021.
gnomAD v4.1: 93 of 1,611,754 alleles (0.0058%); highest among the groups gnomAD compares: African/African-American, 0.079%; no homozygotes.

Submissions (6):

Women's Health and Genetics/Laboratory Corporation of America, LabCorp
Classification: Uncertain significance. Last evaluated: 2025-10-28. Review status: criteria provided, single submitter. Criteria: LabCorp Variant Classification Summary - May 2015. Collection method: clinical testing. Allele origin: germline.
Comment: Variant summary: HOMER2 c.539G>A (p.Arg180Gln) results in a conservative amino acid change in the encoded protein sequence. Algorithms developed to predict the effect of missense changes on protein structure and function are either unavailable or do not agree on the potential impact of this missense change. The variant allele was found at a frequency of 9.3e-05 in 247644 control chromosomes, predominantly at a frequency of 0.0009 within the African or African-American subpopulation in the gnomAD database. This frequency is not significantly higher than estimated for disease-causing variants in HOMER2, allowing no conclusion about variant significance. To our knowledge, no occurrence of c.539G>A in individuals affected with HOMER2-related conditions and no experimental evidence demonstrating its impact on protein function have been reported. ClinVar contains an entry for this variant (Variation ID: 1278549). Based on the evidence outlined above, the variant was classified as uncertain significance.

PreventionGenetics, part of Exact Sciences
Classification: Likely benign for HOMER2-related condition. Last evaluated: 2025-07-07. Review status: criteria provided, single submitter. Criteria: ACMG Guidelines, 2015. Collection method: clinical testing. Allele origin: germline.
Comment: This variant is classified as likely benign based on ACMG/AMP sequence variant interpretation guidelines (Richards et al. 2015 PMID: 25741868, with internal and published modifications).

Labcorp Genetics (formerly Invitae), Labcorp
Classification: Likely benign. Last evaluated: 2023-12-11. Review status: criteria provided, single submitter. Criteria: Invitae Variant Classification Sherloc (09022015). Collection method: clinical testing. Allele origin: germline.

Ambry Genetics
Classification: Uncertain significance for Inborn genetic diseases. Last evaluated: 2021-09-01. Review status: criteria provided, single submitter. Criteria: Ambry Variant Classification Scheme 2023. Collection method: clinical testing. Allele origin: germline.

GeneDx
Classification: Benign. Last evaluated: 2019-03-01. Review status: criteria provided, single submitter. Criteria: GeneDx Variant Classification Process June 2021. Collection method: clinical testing. Allele origin: germline. Affected: yes.

Breakthrough Genomics
Classification: Likely benign. Review status: criteria provided, single submitter. Criteria: ACMG Guidelines, 2015. Collection method: not provided. Allele origin: germline. Inheritance: Autosomal dominant inheritance. Affected: yes.